The following is an entry in ClinVar:

NM_001366385.1(CARD14):c.1240C>T (p.Leu414Phe)

Gene: CARD14 (caspase recruitment domain family member 14; plus strand). Cytogenetic location: 17q25.3.
Variant type: single nucleotide variant.
Coding change: c.1240C>T on transcript NM_001366385.1 (MANE Select); coding-DNA position 1240, C replaced by T.
Protein change: p.Leu414Phe; replaces leucine 414 with phenylalanine.
Molecular consequence: missense variant. On other transcripts: non-coding transcript variant (1).
Genome position (GRCh38, 1-based): chr17:80,192,503, C>T. VCF-style: chr17-80192503-C-T. GRCh37 (hg19) VCF-style: chr17-78166302-C-T.
Other names: c.1240C>T, p.Leu414Phe (NM_001257970.1, NM_024110.4); c.529C>T, p.Leu177Phe (NM_052819.3); short protein forms L177F, L414F.
Identifiers: ClinVar variation 3755588 (VCV003755588.2).

ClinVar aggregate classification (germline): Uncertain significance (1 of 4 stars; one submission).

Conditions:
Pityriasis rubra pilaris (PRP). Also called: Pityriasis rubra pilaris--familial type. Identifiers: Orphanet 2897, MedGen C0032027, MONDO:0100017, OMIM 173200, MONDO:0008251.
Psoriasis 2. Identifiers: MedGen C1864497, MONDO:0011269, OMIM 602723.

gnomAD v4.1: 3 of 1,612,696 alleles (0.00019%); highest among the groups gnomAD compares: Non-Finnish European, 0.00025%; no homozygotes.

Submission:

Labcorp Genetics (formerly Invitae), Labcorp
Classification: Uncertain significance for Pityriasis rubra pilaris; Psoriasis 2. Last evaluated: 2024-04-04. Review status: criteria provided, single submitter. Criteria: Invitae Variant Classification Sherloc (09022015). Collection method: clinical testing. Allele origin: germline.
Comment: This sequence change replaces leucine, which is neutral and non-polar, with phenylalanine, which is neutral and non-polar, at codon 414 of the CARD14 protein (p.Leu414Phe). This variant is present in population databases (rs745331681, gnomAD 0.0009%). This variant has not been reported in the literature in individuals affected with CARD14-related conditions. An algorithm developed to predict the effect of missense changes on protein structure and function (PolyPhen-2) suggests that this variant is likely to be tolerated. In summary, the available evidence is currently insufficient to determine the role of this variant in disease. Therefore, it has been classified as a Variant of Uncertain Significance.